The following is an entry in ClinVar:

NM_000038.6(APC):c.5392A>G (p.Asn1798Asp)

Gene: APC (APC regulator of Wnt signaling pathway; plus strand). Cytogenetic location: 5q22.2.
Variant type: single nucleotide variant.
Coding change: c.5392A>G on transcript NM_000038.6 (MANE Select); coding-DNA position 5392, A replaced by G.
Protein change: p.Asn1798Asp; replaces asparagine 1798 with aspartic acid.
Molecular consequence: missense variant.
Genome position (GRCh38, 1-based): chr5:112,840,986, A>G. VCF-style: chr5-112840986-A-G. GRCh37 (hg19) VCF-style: chr5-112176683-A-G.
Other names: p.N1798D:AAT>GAT; c.5392A>G, p.Asn1798Asp (NM_001127510.3, NM_001354895.2); c.5338A>G, p.Asn1780Asp (NM_001127511.3); c.5446A>G, p.Asn1816Asp (NM_001354896.2); c.5422A>G, p.Asn1808Asp (NM_001354897.2); c.5317A>G, p.Asn1773Asp (NM_001354898.2); c.5308A>G, p.Asn1770Asp (NM_001354899.2); c.5269A>G, p.Asn1757Asp (NM_001354900.2); and 6 more; short protein forms N1798D, N1780D, N1707D, N1739D, N1770D, N1773D, N1808D, N1515D.
Identifiers: ClinVar variation 41532 (VCV000041532.36), dbSNP rs200794097, ClinGen allele CA010373.

ClinVar aggregate classification (germline): Conflicting classifications of pathogenicity. Review status: criteria provided, conflicting classifications (1 of 4 stars). 14 submissions from 14 submitters: Uncertain significance (3); Benign (1); Likely benign (7). 3 of the submissions do not count toward it. Last evaluated 2026-02-03.

Conditions:
APC-related disorder. Also called: APC-related condition.
Hereditary cancer-predisposing syndrome. Also called: Hereditary neoplastic syndrome; Neoplastic Syndromes, Hereditary; Hereditary Cancer Syndrome; Tumor predisposition. Identifiers: Orphanet 140162, MedGen C0027672, MeSH D009386, MONDO:0015356.
Familial adenomatous polyposis 1 (FAP1). Also called: FAMILIAL ADENOMATOUS POLYPOSIS 1, ATTENUATED; POLYPOSIS, ADENOMATOUS INTESTINAL. Identifiers: MedGen C2713442, MONDO:0021056, OMIM 175100. Disease mechanism: loss of function.
Desmoid disease, hereditary (DESMD). Also called: FIBROMATOSIS, FAMILIAL INFILTRATIVE. Identifiers: Orphanet 873, MedGen C1851124, OMIM 135290. Disease mechanism: loss of function.

Allele frequency attached by ClinVar (database versions not stated): gnomAD exomes 0.00004; gnomAD 0.00011 and 0.00012; ExAC 0.00007; ESP Exome Variant Server 0.00008; TOPMed 0.00014.
gnomAD v4.1: 35 of 1,612,298 alleles (0.0022%); highest among the groups gnomAD compares: African/African-American, 0.033%; no homozygotes.

Submissions (14):

Labcorp Genetics (formerly Invitae), Labcorp
Classification: Likely benign for Familial adenomatous polyposis 1. Last evaluated: 2026-02-03. Review status: criteria provided, single submitter. Criteria: Invitae Variant Classification Sherloc (09022015). Collection method: clinical testing. Allele origin: germline.

Myriad Genetics, Inc.
Classification: Likely benign for Familial adenomatous polyposis 1. Last evaluated: 2025-01-29. Review status: criteria provided, single submitter. Criteria: Myriad Autosomal Dominant, Autosomal Recessive and X-Linked Classification Criteria (2023). Collection method: clinical testing. Allele origin: unknown.
Comment: This variant is considered likely benign. This variant has been observed at a population frequency that is significantly greater than expected given the associated disease prevalence and penetrance.

Department of Pathology and Laboratory Medicine, Sinai Health System
Classification: Likely benign for Familial adenomatous polyposis 1; Desmoid disease, hereditary. Last evaluated: 2024-01-15. Review status: criteria provided, single submitter. Criteria: ACMG Guidelines, 2015. Collection method: clinical testing. Allele origin: germline. Affected: yes.

Ambry Genetics
Classification: Benign for Hereditary cancer-predisposing syndrome. Last evaluated: 2023-03-08. Review status: criteria provided, single submitter. Criteria: Ambry Variant Classification Scheme 2023. Collection method: clinical testing. Allele origin: germline.

Quest Diagnostics Nichols Institute San Juan Capistrano
Classification: Likely benign. Last evaluated: 2022-12-03. Review status: criteria provided, single submitter. Criteria: Quest Diagnostics criteria. Collection method: clinical testing. Allele origin: unknown.

Sema4
Classification: Uncertain significance for Hereditary cancer-predisposing syndrome. Last evaluated: 2021-11-23. Review status: criteria provided, single submitter. Criteria: Sema4 Curation Guidelines. Collection method: curation. Allele origin: germline.
Comment: The APC c.5392A>G (p.N1798D) variant has been reported in individuals with astrocytoma or breast cancer (PMID: 31970404, 33606809). It was observed in 13/24620 chromosomes of the African/African American subpopulation, with no homozygotes, in the large and broad cohorts of the Genome Aggregation Database (PMID: 32461654). The variant has been reported in ClinVar (Variation ID: 41532). Functional studies have not been performed, and in silico predictions of the variant's effect on protein function are inconclusive. The evidence is insufficient to meet ACMG/AMP criteria for classifying the variant as benign or pathogenic. Thus, the clinical significance of this variant is currently uncertain.

Women's Health and Genetics/Laboratory Corporation of America, LabCorp
Classification: Likely benign. Last evaluated: 2021-09-20. Review status: criteria provided, single submitter. Criteria: LabCorp Variant Classification Summary - May 2015. Collection method: clinical testing. Allele origin: germline.
Comment: Variant summary: APC c.5392A>G (p.Asn1798Asp) results in a conservative amino acid change in the encoded protein sequence. Five of five in-silico tools predict a benign effect of the variant on protein function. The variant allele was found at a frequency of 5.3e-05 in 280972 control chromosomes, predominantly at a frequency of 0.00053 within the African or African-American subpopulation in the gnomAD database. The observed variant frequency within African or African-American control individuals in the gnomAD database is approximately 7-fold of the estimated maximal expected allele frequency for a pathogenic variant in APC causing Familial Adenomatous Polyposis phenotype (7.1e-05), strongly suggesting that the variant is a benign polymorphism found primarily in populations of African or African-American origin. The variant, c.5392A>G, has been reported in the literature in individuals affected with atherosclerosis, pediatric astrocytoma, and breast cancer (Johnston_2012, Muskens_2020, Sandoval_2021). These reports do not provide unequivocal conclusions about association of the variant with Familial Adenomatous Polyposis. To our knowledge, no experimental evidence demonstrating an impact on protein function has been reported. Eight other submitters have provided clinical-significance assessments for this variant in ClinVar after 2014 without evidence for independent evaluation, and classified the variant as VUS (n=6) or likely benign (n=2). Based on the evidence outlined above, the variant was classified as likely benign.

Color Diagnostics, LLC DBA Color Health
Classification: Likely benign for Hereditary cancer-predisposing syndrome. Last evaluated: 2020-07-21. Review status: criteria provided, single submitter. Criteria: ACMG Guidelines, 2015. Collection method: clinical testing. Allele origin: germline.

Laboratory for Molecular Medicine, Mass General Brigham Personalized Medicine
Classification: Likely benign. Last evaluated: 2019-05-02. Review status: criteria provided, single submitter. Criteria: LMM Criteria. Collection method: clinical testing. Allele origin: germline. Observed: 1 variant allele.
Comment: The p.Asn1798Asp variant in APC is classified as likely benign because it has been identified in 0.053% (13/24620) of African chromosomes by gnomAD, and computational tools suggest that this variant may not impact the protein. ACMG/AMP criteria applied: BS1, BP4.

Mendelics
Classification: Uncertain significance for Familial adenomatous polyposis 1. Last evaluated: 2018-07-02. Review status: criteria provided, single submitter. Criteria: Mendelics Assertion Criteria 2017. Collection method: clinical testing. Allele origin: unknown.

GeneDx
Classification: Uncertain significance. Last evaluated: 2018-06-25. Review status: criteria provided, single submitter. Criteria: GeneDx Variant Classification (06012015). Collection method: clinical testing. Allele origin: germline. Affected: yes.
Comment: This variant is denoted APC c.5392A>G at the cDNA level, p.Asn1798Asp (N1798D) at the protein level, and results in the change of an Asparagine to an Aspartic Acid (AAT>GAT). This variant was observed in 1/430 individuals with atherosclerosis, with no specific information about cancer history (Johnston 2012). APC Asn1798Asp was not observed at a significant allele frequency in large population cohorts (Lek 2016). APC Asn1798Asp is located in the beta-catenin binding domain and the SAMP repeats/axin binding domain (Azzopardi 2008). In silico analysis, which includes protein predictors and evolutionary conservation, supports that this variant does not alter protein structure/function. Based on currently available evidence, it is unclear whether APC Asn1798Asp is a pathogenic or benign variant. We consider it to be a variant of uncertain significance.

PreventionGenetics, part of Exact Sciences
Classification: Uncertain significance for APC-related condition. Last evaluated: 2024-04-15. Review status: no assertion criteria provided. Collection method: clinical testing. Allele origin: germline. Not counted in ClinVar's aggregate classification.
Comment: The APC c.5392A>G variant is predicted to result in the amino acid substitution p.Asn1798Asp. This variant has been reported in an individual with breast cancer (Table S4, Sandovai et al. 2021. PubMed ID: 33606809). It was also reported in a study participant selected for a range of atherosclerosis phenotypes (Johnston et al. 2012. PubMed ID: 22703879). This variant is reported in 0.053% of alleles in individuals of African descent in gnomAD and has conflicting interpretations ranging from benign to uncertain significance in ClinVar. At this time, the clinical significance of this variant is uncertain due to the absence of conclusive functional and genetic evidence.

Counsyl
Classification: Uncertain significance for Familial adenomatous polyposis 1. Last evaluated: 2016-03-01. Review status: no assertion criteria provided. Collection method: clinical testing. Allele origin: unknown. Not counted in ClinVar's aggregate classification.

Biesecker Lab/Clinical Genomics Section, National Institutes of Health
Classification: Uncertain significance. Last evaluated: 2012-07-13. Review status: no assertion criteria provided. Collection method: research. Allele origin: germline. Affected: no. Observed: 1 variant allele. Study: ClinSeq. Not counted in ClinVar's aggregate classification.
ClinVar note: Converted during submission from variant of unknown significance to Uncertain significance.

Literature cited by the submitters: PubMed 33606809 (cited by 4 submitters); PubMed 31970404 (cited by 4 submitters); PubMed 27600092 (cited by Quest Diagnostics Nichols Institute San Juan Capistrano and Women's Health and Genetics/Laboratory Corporation of America, LabCorp).